The following is an entry in ClinVar:

NM_006642.5(SDCCAG8):c.1748del (p.Asn583fs)

Gene: SDCCAG8 (SHH signaling and ciliogenesis regulator SDCCAG8; plus strand). Cytogenetic location: 1q43.
Variant type: Deletion.
Coding change: c.1748del on transcript NM_006642.5 (MANE Select); coding-DNA position 1748, one base deleted (A; older notation c.1748delA).
Protein change: p.Asn583fs; shifts the reading frame from asparagine 583.
Molecular consequence: frameshift variant.
Genome position (GRCh38, 1-based): chr1:243,417,971, A deleted; the last of 4 consecutive A bases (chr1:243,417,968-243,417,971); deleting any one gives the same sequence. VCF-style (leftmost placement, unchanged base first): chr1-243417967-GA-G. GRCh37 (hg19) VCF-style: chr1-243581269-GA-G.
Other names: c.845del, p.Asn282fs (NM_001350246.2, NM_001350247.2, NM_001350251.2); c.1844del, p.Asn615fs (NM_001350248.2); c.1454del, p.Asn485fs (NM_001350249.2); short protein forms N282fs, N485fs, N583fs, N615fs.
Identifiers: ClinVar variation 2429222 (VCV002429222.3), dbSNP rs2528455666, ClinGen allele CA2580063482.

ClinVar aggregate classification (germline): Likely pathogenic (1 of 4 stars; one submission).

Conditions:
Bardet-Biedl syndrome (BBS). Identifiers: Orphanet 110, MedGen C0752166, MONDO:0015229.

Submission:

Women's Health and Genetics/Laboratory Corporation of America, LabCorp
Classification: Likely pathogenic for Bardet-Biedl syndrome. Last evaluated: 2023-01-31. Review status: criteria provided, single submitter. Criteria: LabCorp Variant Classification Summary - May 2015. Collection method: clinical testing. Allele origin: germline.
Comment: Variant summary: SDCCAG8 c.1748delA (p.Asn583MetfsX7) results in a premature termination codon, predicted to cause a truncation of the encoded protein or absence of the protein due to nonsense mediated decay, which are commonly known mechanisms for disease. The variant was absent in 251156 control chromosomes (gnomAD). To our knowledge, no occurrence of c.1748delA in individuals affected with Bardet-Biedl Syndrome and no experimental evidence demonstrating its impact on protein function have been reported. No clinical diagnostic laboratories have submitted clinical-significance assessments for this variant to ClinVar after 2014. Based on the evidence outlined above, the variant was classified as likely pathogenic.